The following is an entry in ClinVar:

NM_032242.4(PLXNA1):c.2685C>T (p.Asp895=)

Gene: PLXNA1 (plexin A1; plus strand). Cytogenetic location: 3q21.3.
Variant type: single nucleotide variant.
Coding change: c.2685C>T on transcript NM_032242.4 (MANE Select); coding-DNA position 2685, C replaced by T.
Protein change: p.Asp895=; no amino-acid change (aspartic acid 895 retained).
Molecular consequence: synonymous variant.
Genome position (GRCh38, 1-based): chr3:127,014,558, C>T. VCF-style: chr3-127014558-C-T. GRCh37 (hg19) VCF-style: chr3-126733401-C-T.
Other names: c.2685C>T (NM_032242.3).
Identifiers: ClinVar variation 1559442 (VCV001559442.10), dbSNP rs149860040, ClinGen allele CA2593727.

ClinVar aggregate classification (germline): Likely benign. Review status: criteria provided, single submitter (1 of 4 stars). 2 submissions from 2 submitters: Likely benign (1). 1 of the submissions does not count toward it. Last evaluated 2021-08-23.

Conditions:
PLXNA1-related disorder. Also called: PLXNA1-related condition.

Allele frequency attached by ClinVar (database versions not stated): gnomAD exomes 0.00006; ESP Exome Variant Server 0.00008; 1000 Genomes Project 30x 0.00016; 1000 Genomes Project 0.00020.
gnomAD v4.1: 91 of 1,612,492 alleles (0.0056%); highest among the groups gnomAD compares: Admixed American, 0.0067%; no homozygotes.

Submissions (2):

Labcorp Genetics (formerly Invitae), Labcorp
Classification: Likely benign. Last evaluated: 2021-08-23. Review status: criteria provided, single submitter. Criteria: Invitae Variant Classification Sherloc (09022015). Collection method: clinical testing. Allele origin: germline.

PreventionGenetics, part of Exact Sciences
Classification: Likely benign for PLXNA1-related condition. Last evaluated: 2021-12-17. Review status: no assertion criteria provided. Collection method: clinical testing. Allele origin: germline. Not counted in ClinVar's aggregate classification.
Comment: This variant is classified as likely benign based on ACMG/AMP sequence variant interpretation guidelines (Richards et al. 2015 PMID: 25741868, with internal and published modifications).